The following is an entry in ClinVar:

NM_003054.6(SLC18A2):c.303C>T (p.Thr101=)

Gene: SLC18A2 (solute carrier family 18 member A2; plus strand). Cytogenetic location: 10q25.3.
Variant type: single nucleotide variant.
Coding change: c.303C>T on transcript NM_003054.6 (MANE Select); coding-DNA position 303, C replaced by T.
Protein change: p.Thr101=; no amino-acid change (threonine 101 retained).
Molecular consequence: synonymous variant.
Genome position (GRCh38, 1-based): chr10:117,244,152, C>T. VCF-style: chr10-117244152-C-T. GRCh37 (hg19) VCF-style: chr10-119003663-C-T.
Identifiers: ClinVar variation 1623043 (VCV001623043.10), dbSNP rs765018001, ClinGen allele CA5710237.

ClinVar aggregate classification (germline): Likely benign. Review status: criteria provided, multiple submitters, no conflicts (2 of 4 stars). 2 submissions from 2 submitters: Likely benign (2). Last evaluated 2026-05-01.

Allele frequency attached by ClinVar (database versions not stated): ExAC 0.00002; TOPMed 0.00002; gnomAD exomes 0.00003 and 0.00004; gnomAD 0.00004 and 0.00005.

Submissions (2):

CeGaT Center for Human Genetics Tuebingen
Classification: Likely benign. Last evaluated: 2026-05-01. Review status: criteria provided, single submitter. Criteria: CeGaT Center For Human Genetics Tuebingen Variant Classification Criteria Version 2. Collection method: clinical testing. Allele origin: germline. Affected: yes. Observed: 1 variant allele.
Comment: SLC18A2: BP4, BP7

Labcorp Genetics (formerly Invitae), Labcorp
Classification: Likely benign. Last evaluated: 2022-03-29. Review status: criteria provided, single submitter. Criteria: Invitae Variant Classification Sherloc (09022015). Collection method: clinical testing. Allele origin: germline.